The following is an entry in ClinVar:

NM_000492.4(CFTR):c.490A>C (p.Thr164Pro)

Gene: CFTR (CF transmembrane conductance regulator; plus strand). Cytogenetic location: 7q31.2.
Variant type: single nucleotide variant.
Coding change: c.490A>C on transcript NM_000492.4 (MANE Select); coding-DNA position 490, A replaced by C.
Protein change: p.Thr164Pro; replaces threonine 164 with proline.
Molecular consequence: missense variant.
Genome position (GRCh38, 1-based): chr7:117,534,276, A>C. VCF-style: chr7-117534276-A-C. GRCh37 (hg19) VCF-style: chr7-117174330-A-C.
Other names: short protein forms T164P.
Identifiers: ClinVar variation 2503927 (VCV002503927.1), dbSNP rs200885306, ClinGen allele CA368976296.

ClinVar aggregate classification (germline): Uncertain significance (1 of 4 stars; one submission).

Submission:

Women's Health and Genetics/Laboratory Corporation of America, LabCorp
Classification: Uncertain significance. Last evaluated: 2023-04-28. Review status: criteria provided, single submitter. Criteria: LabCorp Variant Classification Summary - May 2015. Collection method: clinical testing. Allele origin: germline.
Comment: Variant summary: CFTR c.490A>C (p.Thr164Pro) results in a non-conservative amino acid change in the encoded protein sequence. Five of five in-silico tools predict a damaging effect of the variant on protein function. 4/4 computational tools predict no significant impact on normal splicing. However, these predictions have yet to be confirmed by functional studies. The variant was absent in 249460 control chromosomes (gnomAD). The available data on variant occurrences in the general population are insufficient to allow any conclusion about variant significance. To our knowledge, c.490A>C has not been reported in the literature in individuals affected with Cystic Fibrosis. and no experimental evidence demonstrating an impact on protein function has been reported. The following publication have been ascertained in the context of this evaluation (PMID: 34782259). No clinical diagnostic laboratories have submitted clinical-significance assessments for this variant to ClinVar after 2014. Based on the evidence outlined above, the variant was classified as uncertain significance.

Literature cited by the submitters: PubMed 34782259.